The following is an entry in ClinVar:

NM_006269.2(RP1):c.1320C>G (p.Asp440Glu)

Gene: RP1 (RP1 axonemal microtubule associated; plus strand). Cytogenetic location: 8q12.1.
Variant type: single nucleotide variant.
Coding change: c.1320C>G on transcript NM_006269.2 (MANE Select); coding-DNA position 1320, C replaced by G.
Protein change: p.Asp440Glu; replaces aspartic acid 440 with glutamic acid.
Molecular consequence: missense variant. On other transcripts: intron variant (1).
Genome position (GRCh38, 1-based): chr8:54,625,202, C>G. VCF-style: chr8-54625202-C-G. GRCh37 (hg19) VCF-style: chr8-55537762-C-G.
Other names: c.787+2914C>G (NM_001375654.1); short protein forms D440E.
Identifiers: ClinVar variation 3647050 (VCV003647050.2).
Genomic context (GRCh38, chr8:54,625,202, plus strand): 5'-CAGTTCTGCTAGTTGGGAGAATGCTACTGTGGACACAGATATCATCCAGGGAACTCAAGA[C>G]CAAGCAAAGCATCGTTTTTATAGGCCCCCTACACCTGGACTAAGAAGAGTGAGACAAAAG-3'
Protein context (NP_006260.1, residues 430-450): VDTDIIQGTQ[Asp440Glu]QAKHRFYRPP

ClinVar aggregate classification (germline): Uncertain significance (1 of 4 stars; one submission).

Submission:

Labcorp Genetics (formerly Invitae), Labcorp
Classification: Uncertain significance. Last evaluated: 2024-03-20. Review status: criteria provided, single submitter. Criteria: Invitae Variant Classification Sherloc (09022015). Collection method: clinical testing. Allele origin: germline.
Comment: This sequence change replaces aspartic acid, which is acidic and polar, with glutamic acid, which is acidic and polar, at codon 440 of the RP1 protein (p.Asp440Glu). This variant is not present in population databases (gnomAD no frequency). This variant has not been reported in the literature in individuals affected with RP1-related conditions. An algorithm developed to predict the effect of missense changes on protein structure and function (PolyPhen-2) suggests that this variant is likely to be tolerated. In summary, the available evidence is currently insufficient to determine the role of this variant in disease. Therefore, it has been classified as a Variant of Uncertain Significance.